The following is an entry in ClinVar:

NM_015910.7(WDPCP):c.2171G>C (p.Arg724Thr)

Gene: WDPCP (WD repeat containing planar cell polarity effector; minus strand). Cytogenetic location: 2p15.
Variant type: single nucleotide variant.
Coding change: c.2171G>C on transcript NM_015910.7 (MANE Select); coding-DNA position 2171, G replaced by C.
Protein change: p.Arg724Thr; replaces arginine 724 with threonine.
Molecular consequence: missense variant. On other transcripts: non-coding transcript variant (3).
Genome position (GRCh38, 1-based): chr2:63,152,933, C>G on the plus strand (G>C on the coding strand, the complement: WDPCP is on the minus strand). VCF-style: chr2-63152933-C-G. GRCh37 (hg19) VCF-style: chr2-63380068-C-G.
Other names: c.2171G>C (NM_015910.5); c.1694G>C, p.Arg565Thr (NM_001042692.3); c.2099G>C, p.Arg700Thr (NM_001354044.2); short protein forms R724T, R700T, R565T.
Identifiers: ClinVar variation 1976647 (VCV001976647.4), dbSNP rs1276531591, ClinGen allele CA347060640.

ClinVar aggregate classification (germline): Uncertain significance. Review status: criteria provided, multiple submitters, no conflicts (2 of 4 stars). 2 submissions from 2 submitters: Uncertain significance (2). Last evaluated 2026-06-17.

Conditions:
WDPCP-related disorder. Also called: WDPCP-related condition.
Bardet-Biedl syndrome (BBS). Identifiers: Orphanet 110, MedGen C0752166, MONDO:0015229.

Allele frequency attached by ClinVar (database versions not stated): gnomAD exomes below 0.00001.
gnomAD v4.1: 1 of 1,612,692 alleles (0.000062%); highest among the groups gnomAD compares: Non-Finnish European, 0.000085%; no homozygotes.

Submissions (2):

PreventionGenetics, part of Exact Sciences
Classification: Uncertain significance for WDPCP-related condition. Last evaluated: 2026-06-17. Review status: criteria provided, single submitter. Criteria: ACMG Guidelines, 2015. Collection method: clinical testing. Allele origin: germline.
Comment: The WDPCP c.2171G>C variant is predicted to result in the amino acid substitution p.Arg724Thr. To our knowledge, this variant has not been reported in the literature. This variant is reported in 0.00089% of alleles in individuals of European (Non-Finnish) descent in gnomAD. At this time, the clinical significance of this variant is uncertain due to the absence of conclusive functional and genetic evidence.

Labcorp Genetics (formerly Invitae), Labcorp
Classification: Uncertain significance for Bardet-Biedl syndrome. Last evaluated: 2022-02-04. Review status: criteria provided, single submitter. Criteria: Invitae Variant Classification Sherloc (09022015). Collection method: clinical testing. Allele origin: germline.
Comment: In summary, the available evidence is currently insufficient to determine the role of this variant in disease. Therefore, it has been classified as a Variant of Uncertain Significance. Algorithms developed to predict the effect of missense changes on protein structure and function (SIFT, PolyPhen-2, Align-GVGD) all suggest that this variant is likely to be tolerated. This variant has not been reported in the literature in individuals affected with WDPCP-related conditions. This variant is present in population databases (no rsID available, gnomAD 0.0009%). This sequence change replaces arginine, which is basic and polar, with threonine, which is neutral and polar, at codon 724 of the WDPCP protein (p.Arg724Thr).